The following is an entry in ClinVar:

ClinVar aggregate classification (germline): Uncertain significance (1 of 4 stars; one submission).

Submission:

Labcorp Genetics (formerly Invitae), Labcorp
Classification: Uncertain significance. Last evaluated: 2022-05-12. Review status: criteria provided, single submitter. Criteria: Invitae Variant Classification Sherloc (09022015). Collection method: clinical testing. Allele origin: germline.
Comment: This variant is not present in population databases (gnomAD no frequency). This sequence change replaces threonine, which is neutral and polar, with serine, which is neutral and polar, at codon 1310 of the MCM3AP protein (p.Thr1310Ser). This variant has not been reported in the literature in individuals affected with MCM3AP-related conditions. In summary, the available evidence is currently insufficient to determine the role of this variant in disease. Therefore, it has been classified as a Variant of Uncertain Significance. Algorithms developed to predict the effect of missense changes on protein structure and function (SIFT, PolyPhen-2, Align-GVGD) all suggest that this variant is likely to be disruptive.

NM_003906.5(MCM3AP):c.3929C>G (p.Thr1310Ser)

Gene: MCM3AP (minichromosome maintenance complex component 3 associated protein; minus strand). Cytogenetic location: 21q22.3.
Variant type: single nucleotide variant.
Coding change: c.3929C>G on transcript NM_003906.5 (MANE Select); coding-DNA position 3929, C replaced by G.
Protein change: p.Thr1310Ser; replaces threonine 1310 with serine.
Molecular consequence: missense variant.
Genome position (GRCh38, 1-based): chr21:46,256,792, G>C on the plus strand (C>G on the coding strand, the complement: MCM3AP is on the minus strand). VCF-style: chr21-46256792-G-C. GRCh37 (hg19) VCF-style: chr21-47676706-G-C.
Other names: short protein forms T1310S.
Identifiers: ClinVar variation 1928367 (VCV001928367.5), dbSNP rs2517361012, ClinGen allele CA410550391.